The following is an entry in ClinVar:

NM_032656.4(DHX37):c.223A>G (p.Lys75Glu)

Gene: DHX37 (DEAH-box helicase 37; minus strand). Cytogenetic location: 12q24.31.
Variant type: single nucleotide variant.
Coding change: c.223A>G on transcript NM_032656.4 (MANE Select); coding-DNA position 223, A replaced by G.
Protein change: p.Lys75Glu; replaces lysine 75 with glutamic acid.
Molecular consequence: missense variant.
Genome position (GRCh38, 1-based): chr12:124,986,149, T>C on the plus strand (A>G on the coding strand, the complement: DHX37 is on the minus strand). VCF-style: chr12-124986149-T-C. GRCh37 (hg19) VCF-style: chr12-125470695-T-C.
Other names: short protein forms K75E.
Identifiers: ClinVar variation 4797919 (VCV004797919.1).

ClinVar aggregate classification (germline): Uncertain significance (1 of 4 stars; one submission).

gnomAD v4.1: 1 of 1,614,220 alleles (0.000062%); highest among the groups gnomAD compares: Non-Finnish European, 0.000085%; no homozygotes.

Submission:

Labcorp Genetics (formerly Invitae), Labcorp
Classification: Uncertain significance. Last evaluated: 2025-06-05. Review status: criteria provided, single submitter. Criteria: Invitae Variant Classification Sherloc (09022015). Collection method: clinical testing. Allele origin: germline.
Comment: This sequence change replaces lysine, which is basic and polar, with glutamic acid, which is acidic and polar, at codon 75 of the DHX37 protein (p.Lys75Glu). This variant is not present in population databases (gnomAD no frequency). This variant has not been reported in the literature in individuals affected with DHX37-related conditions. An algorithm developed to predict the effect of missense changes on protein structure and function (PolyPhen-2) suggests that this variant is likely to be tolerated. In summary, the available evidence is currently insufficient to determine the role of this variant in disease. Therefore, it has been classified as a Variant of Uncertain Significance.